The following is an entry in ClinVar:

ClinVar aggregate classification (germline): Likely benign. Review status: reviewed by expert panel (3 of 4 stars). 19 submissions from 19 submitters: Likely benign (1). 18 of the submissions do not count toward it. Last evaluated 2013-09-05.

Conditions:
MSH6-related disorder. Also called: MSH6-related condition; MSH6-Related disorders.
Hereditary nonpolyposis colorectal neoplasms. Identifiers: MedGen C0009405, MeSH D003123.
Hereditary cancer-predisposing syndrome. Also called: Hereditary Cancer Syndrome; Tumor predisposition; Neoplastic Syndromes, Hereditary; Hereditary neoplastic syndrome. Identifiers: Orphanet 140162, MedGen C0027672, MeSH D009386, MONDO:0015356.
Lynch syndrome. Identifiers: Orphanet 144, MedGen C4552100, MONDO:0005835. Disease mechanism: loss of function.
Lynch syndrome 5 (LYNCH5). Also called: Hereditary non-polyposis colorectal cancer, type 5; Colorectal cancer, hereditary nonpolyposis, type 5. Identifiers: Orphanet 144, MedGen C1833477, MONDO:0013710, OMIM 614350. Disease mechanism: loss of function.

Allele frequency attached by ClinVar (database versions not stated): gnomAD exomes 0.00004; ExAC 0.00005; gnomAD 0.00005 and 0.00006; TOPMed 0.00006; ESP Exome Variant Server 0.00008.
gnomAD v4.1: 68 of 1,610,040 alleles (0.0042%); highest among the groups gnomAD compares: Non-Finnish European, 0.0055%; no homozygotes.

Submissions (19):

International Society for Gastrointestinal Hereditary Tumours (InSiGHT)
Classification: Likely benign for Lynch Syndrome. Last evaluated: 2013-09-05. Review status: reviewed by expert panel. Criteria: Guidelines v1.9. Collection method: research. Allele origin: germline.
Comment: Multifactorial likelihood analysis posterior probability 0.001-0.049

Classified with v1.9 guidelines

Labcorp Genetics (formerly Invitae), Labcorp
Classification: Likely benign for Hereditary nonpolyposis colorectal neoplasms. Last evaluated: 2026-01-24. Review status: criteria provided, single submitter. Criteria: Invitae Variant Classification Sherloc (09022015). Collection method: clinical testing. Allele origin: germline. Not counted in ClinVar's aggregate classification.

Quest Diagnostics Nichols Institute San Juan Capistrano
Classification: Uncertain significance. Last evaluated: 2025-10-11. Review status: criteria provided, single submitter. Criteria: Quest Diagnostics criteria. Collection method: clinical testing. Allele origin: unknown. Not counted in ClinVar's aggregate classification.
Comment: The MSH6 c.3986C>T (p.Ser1329Leu) variant has been reported in the published literature in individuals with colorectal cancer (PMID: 25142776 (2015), 26099011 (2015), 18301448 (2008)) and breast cancer (PMID: 32547938 (2020)). In a large scale breast cancer association study, this variant has been observed in individuals with breast cancer and reportedly unaffected individuals (PMID: 33471991 (2021), see also LOVD). In addition, this variant has been reported as a somatic variant in lung cancer (PMID: 27060149 (2016)). The frequency of this variant in the general population (Genome Aggregation Database) is uninformative in the assessment of its pathogenicity. Analysis of this variant using bioinformatics tools for the prediction of the effect of amino acid changes on protein structure and function yielded predictions that this variant is benign. Based on the available information, we are unable to determine the clinical significance of this variant.

PreventionGenetics, part of Exact Sciences
Classification: Likely benign for MSH6-related condition. Last evaluated: 2025-06-21. Review status: criteria provided, single submitter. Criteria: ACMG Guidelines, 2015. Collection method: clinical testing. Allele origin: germline. Not counted in ClinVar's aggregate classification.
Comment: This variant is classified as likely benign based on ACMG/AMP sequence variant interpretation guidelines (Richards et al. 2015 PMID: 25741868, with internal and published modifications).

Molecular Diagnostics Laboratory, Catalan Institute of Oncology
Classification: Likely benign for Hereditary cancer-predisposing syndrome. Last evaluated: 2025-04-21. Review status: criteria provided, single submitter. Criteria: ClinGen CRC ACMG Specifications MSH6 V1.0.0. Collection method: clinical testing. Allele origin: germline. Not counted in ClinVar's aggregate classification.
Comment: BS3, BP4, BP5 c.3986C>T, located in exon 9 of the MSH6 gene, is predicted to result in the substitution of Serine by Leucine at codon 1329, p.(Ser1329Leu). This variant is found in 68/1610040 alleles at a frequency of 0.004% in the gnomAD v4.1.0 database, with a filter allele frequency of 0.0044% (European non-Finnish dataset). Computational tools for this variant suggests no significant impact on splicing and does not affect the protein function (MAPP+PolyPhen-2 prior probability for pathogenicity: 0.003) (BP4). It has been reported as MMR proficient in a CIMRA assay (functional Odds for Pathogenicity ? 0.05) (PMID: 31965077) (BS3). It has been reported in 2 CRC tumors with MSS and no loss of MSH6 protein expression (PMID: 18301448, 25142776) (BP5). It has been reported in ClinVar (1x B, 7x LB, 6x VUS) and InSiGHT (class 2). Based on the currently available information, c.3986C>T is classified as a likely benign variant according to ClinGen-MSH6 Guidelines version 1.

Center for Genomic Medicine, Rigshospitalet, Copenhagen University Hospital
Classification: Likely benign. Last evaluated: 2025-03-04. Review status: criteria provided, single submitter. Criteria: ACMG Guidelines, 2015. Collection method: clinical testing. Allele origin: germline. Not counted in ClinVar's aggregate classification.

Myriad Genetics, Inc.
Classification: Likely benign for Lynch syndrome 5. Last evaluated: 2025-01-08. Review status: criteria provided, single submitter. Criteria: Myriad Autosomal Dominant, Autosomal Recessive and X-Linked Classification Criteria (2023). Collection method: clinical testing. Allele origin: unknown. Not counted in ClinVar's aggregate classification.
Comment: This variant is considered likely benign. This variant is strongly associated with less severe personal and family histories of cancer, typical for individuals without pathogenic variants in this gene [PMID: 27363726].

Blueprint Genetics
Classification: Likely benign. Last evaluated: 2024-09-10. Review status: criteria provided, single submitter. Criteria: ACMG Guidelines, 2015. Collection method: clinical testing. Allele origin: germline. Not counted in ClinVar's aggregate classification.

Molecular Pathology, Peter Maccallum Cancer Centre
Classification: Likely benign for Lynch syndrome 5. Last evaluated: 2024-06-23. Review status: criteria provided, single submitter. Criteria: ACMG Guidelines, 2015. Collection method: clinical testing. Allele origin: germline. Inheritance: Autosomal dominant inheritance. Not counted in ClinVar's aggregate classification.

CeGaT Center for Human Genetics Tuebingen
Classification: Likely benign. Last evaluated: 2024-06-01. Review status: criteria provided, single submitter. Criteria: CeGaT Center For Human Genetics Tuebingen Variant Classification Criteria Version 2. Collection method: clinical testing. Allele origin: germline. Affected: yes. Observed: 3 variant alleles. Not counted in ClinVar's aggregate classification.
Comment: MSH6: BS3:Supporting

Mendelics
Classification: Benign for Lynch syndrome 5. Last evaluated: 2023-08-22. Review status: criteria provided, single submitter. Criteria: Mendelics Assertion Criteria 2019. Collection method: clinical testing. Allele origin: germline. Not counted in ClinVar's aggregate classification.

Institute for Clinical Genetics, University Hospital TU Dresden, University Hospital TU Dresden
Classification: Uncertain significance. Last evaluated: 2021-11-03. Review status: criteria provided, single submitter. Criteria: ACMG Guidelines, 2015. Collection method: clinical testing. Allele origin: germline. Not counted in ClinVar's aggregate classification.

Sema4
Classification: Likely benign for Hereditary cancer-predisposing syndrome. Last evaluated: 2021-05-05. Review status: criteria provided, single submitter. Criteria: Sema4 Curation Guidelines. Collection method: curation. Allele origin: germline. Not counted in ClinVar's aggregate classification.

GeneDx
Classification: Likely benign. Last evaluated: 2020-01-17. Review status: criteria provided, single submitter. Criteria: GeneDx Variant Classification Process June 2021. Collection method: clinical testing. Allele origin: germline. Affected: yes. Not counted in ClinVar's aggregate classification.
Comment: This variant is associated with the following publications: (PMID: 22290698, 18301448, 23621914, 25142776, 27060149, 17531815)

Women's Health and Genetics/Laboratory Corporation of America, LabCorp
Classification: Uncertain significance. Last evaluated: 2019-05-07. Review status: criteria provided, single submitter. Criteria: LabCorp Variant Classification Summary - May 2015. Collection method: clinical testing. Allele origin: germline. Not counted in ClinVar's aggregate classification.
Comment: Variant summary: MSH6 c.3986C>T (p.Ser1329Leu) results in a non-conservative amino acid change located in the C-terminal domain (IPR000432) of the encoded protein sequence. Three of five in-silico tools predict a benign effect of the variant on protein function. In addition, two in silico studies predicted the variant being benign/neutral (Terui_2013, Ali_2012). The variant allele was found at a frequency of 4.5e-05 in 246306 control chromosomes, predominantly at a frequency of 9.9e-05 within the Non-Finnish European subpopulation in the gnomAD database. This frequency is not significantly higher than expected for a pathogenic variant in MSH6 causing Lynch Syndrome (4.5e-05 vs 0.00014), allowing no conclusion about variant significance. The variant, c.3986C>T, has been reported in the literature in individuals affected with colorectal cancer (Steinke_2008, Kraus_2014, Graham_2015) who displayed normal IHC staining patterns, had microsatellite stable (MSS) analysis and/or did not fulfill the classical diagnostic criteria for Lynch syndrome (example, the revised Bethesda criteria, Kraus_2014 and Steinke_2008). These reports do not provide unequivocal conclusions about association of the variant with Lynch Syndrome. To our knowledge, no experimental evidence demonstrating an impact on protein function has been reported. Five clinical diagnostic laboratories have submitted clinical-significance assessments for this variant to ClinVar after 2014 without evidence for independent evaluation (VUS (n=3), likely benign (n=2)). An expert panel (InSIGHT) has submitted a classification for this variant in ClinVar before 2014 (in 2013) as likely benign citing a multifactorial likelihood analysis posterior probability 0.001-0.049. Based on the evidence outlined above, the variant was classified as VUS-possibly benign.

Ambry Genetics
Classification: Likely benign for Hereditary cancer-predisposing syndrome. Last evaluated: 2018-08-01. Review status: criteria provided, single submitter. Criteria: Ambry Variant Classification Scheme 2023. Collection method: clinical testing. Allele origin: germline. Not counted in ClinVar's aggregate classification.

Institute of Human Genetics, University of Leipzig Medical Center
Classification: Uncertain significance for Lynch syndrome 5. Last evaluated: 2018-06-28. Review status: criteria provided, single submitter. Criteria: ACMG Guidelines, 2015. Collection method: clinical testing. Allele origin: germline. Affected: yes. Not counted in ClinVar's aggregate classification.

Illumina Laboratory Services, Illumina
Classification: Uncertain significance for Lynch syndrome 5. Last evaluated: 2017-04-27. Review status: criteria provided, single submitter. Criteria: ICSL Variant Classification Criteria 13 December 2019. Collection method: clinical testing. Allele origin: germline. Not counted in ClinVar's aggregate classification.
Comment: This variant was observed as part of a predisposition screen in an ostensibly healthy population. A literature search was performed for the gene, cDNA change, and amino acid change (where applicable). Publications were found based on this search. However, the evidence from the literature, in combination with allele frequency data from public databases where available, was not sufficient to rule this variant in or out of causing disease. Therefore, this variant is classified as a variant of unknown significance.

Color Diagnostics, LLC DBA Color Health
Classification: Likely benign for Hereditary cancer-predisposing syndrome. Last evaluated: 2015-11-17. Review status: criteria provided, single submitter. Criteria: ACMG Guidelines, 2015. Collection method: clinical testing. Allele origin: germline. Not counted in ClinVar's aggregate classification.

Literature cited by the submitters: PubMed 18301448 (cited by 4 submitters); PubMed 23621914 (cited by Quest Diagnostics Nichols Institute San Juan Capistrano and Women's Health and Genetics/Laboratory Corporation of America, LabCorp); PubMed 25142776 (cited by Quest Diagnostics Nichols Institute San Juan Capistrano and Women's Health and Genetics/Laboratory Corporation of America, LabCorp); PubMed 22290698 (cited by Quest Diagnostics Nichols Institute San Juan Capistrano and Women's Health and Genetics/Laboratory Corporation of America, LabCorp); PubMed 27060149 (cited by Quest Diagnostics Nichols Institute San Juan Capistrano and Women's Health and Genetics/Laboratory Corporation of America, LabCorp); PubMed 26099011 (cited by Quest Diagnostics Nichols Institute San Juan Capistrano and Women's Health and Genetics/Laboratory Corporation of America, LabCorp); PubMed 33471991 (cited by Quest Diagnostics Nichols Institute San Juan Capistrano); PubMed 32547938 (cited by Quest Diagnostics Nichols Institute San Juan Capistrano); PubMed 27363726 (cited by Myriad Genetics, Inc.); PubMed 24362816 (cited by Illumina Laboratory Services, Illumina).

NM_000179.3(MSH6):c.3986C>T (p.Ser1329Leu)

Gene: MSH6 (mutS homolog 6; plus strand). Cytogenetic location: 2p16.3.
Variant type: single nucleotide variant.
Coding change: c.3986C>T on transcript NM_000179.3 (MANE Select); coding-DNA position 3986, C replaced by T.
Protein change: p.Ser1329Leu; replaces serine 1329 with leucine.
Molecular consequence: missense variant.
Genome position (GRCh38, 1-based): chr2:47,806,636, C>T. VCF-style: chr2-47806636-C-T. GRCh37 (hg19) VCF-style: chr2-48033775-C-T.
Other names: p.S1329L:TCA>TTA; c.3596C>T, p.Ser1199Leu (NM_001281492.2); c.3080C>T, p.Ser1027Leu (NM_001281493.2, NM_001281494.2); short protein forms S1329L, S1027L, S1199L.
Identifiers: ClinVar variation 89497 (VCV000089497.79), dbSNP rs199594809, ClinGen allele CA015038.